The following is an entry in ClinVar:

ClinVar aggregate classification (germline): Likely pathogenic (1 of 4 stars; one submission).

Conditions:
Neuronal ceroid lipofuscinosis. Also called: Neuronal Ceroid Lipofuscinoses. Identifiers: Orphanet 216, Orphanet 79263, MedGen C0027877, MONDO:0016295. Disease mechanism: loss of function.

Allele frequency attached by ClinVar (database versions not stated): gnomAD exomes below 0.00001.
gnomAD v4.1: 2 of 1,612,912 alleles (0.00012%); highest among the groups gnomAD compares: Non-Finnish European, 0.00017%; no homozygotes.

Submission:

Labcorp Genetics (formerly Invitae), Labcorp
Classification: Likely pathogenic for Neuronal ceroid lipofuscinosis. Last evaluated: 2023-08-24. Review status: criteria provided, single submitter. Criteria: Invitae Variant Classification Sherloc (09022015). Collection method: clinical testing. Allele origin: germline.
Comment: In summary, the currently available evidence indicates that the variant is pathogenic, but additional data are needed to prove that conclusively. Therefore, this variant has been classified as Likely Pathogenic. Algorithms developed to predict the effect of sequence changes on RNA splicing suggest that this variant may disrupt the consensus splice site. ClinVar contains an entry for this variant (Variation ID: 2087857). This variant has not been reported in the literature in individuals affected with CLN3-related conditions. This variant is not present in population databases (gnomAD no frequency). This sequence change affects a donor splice site in intron 7 of the CLN3 gene. It is expected to disrupt RNA splicing. Variants that disrupt the donor or acceptor splice site typically lead to a loss of protein function (PMID: 16199547), and loss-of-function variants in CLN3 are known to be pathogenic (PMID: 9311735, 28542676).

Literature cited by the submitters: PubMed 16199547; PubMed 9311735; PubMed 28542676.

NM_001042432.2(CLN3):c.460+2T>G

Gene: CLN3 (CLN3 lysosomal/endosomal transmembrane protein, battenin; minus strand). Cytogenetic location: 16p12.1.
Variant type: single nucleotide variant.
Coding change: c.460+2T>G on transcript NM_001042432.2 (MANE Select); the canonical splice donor site of the intron after coding-DNA position 460, T replaced by G.
Molecular consequence: splice donor variant.
Genome position (GRCh38, 1-based): chr16:28,487,454, A>C on the plus strand (T>G on the coding strand, the complement: CLN3 is on the minus strand). VCF-style: chr16-28487454-A-C. GRCh37 (hg19) VCF-style: chr16-28498775-A-C.
Other names: c.226+2T>G (NM_001286109.2); c.388+2T>G (NM_001286104.2); c.160+2T>G (NM_001286105.2); c.298+2T>G (NM_001286110.2); c.460+2T>G (NM_000086.2).
Identifiers: ClinVar variation 2087857 (VCV002087857.4), dbSNP rs2506491466, ClinGen allele CA395345758.
Genomic context (GRCh38, chr16:28,487,454, plus strand): 5'-CCCACAAATGCTCTGATGTGGTTCCTCGGGGCTCCCCATCTGACACAGAACCACACACTC[A>C]CCACACAGGCTGGTCCCCACAGAATGAGAAAAGGCAACCAGGACGAAGCTTCCAGCAGCA-3'